The following is an entry in ClinVar:

ClinVar aggregate classification (germline): Benign/Likely benign. Review status: criteria provided, multiple submitters, no conflicts (2 of 4 stars). 3 submissions from 3 submitters: Benign (1); Likely benign (1). 1 of the submissions does not count toward it. Last evaluated 2026-01-24.

Conditions:
CPLANE1-related disorder. Also called: CPLANE1-related condition.

Allele frequency attached by ClinVar (database versions not stated): TOPMed 0.00005; gnomAD 0.00019; gnomAD exomes 0.00039 and 0.00075; ExAC 0.00078; 1000 Genomes Project 30x 0.00109; 1000 Genomes Project 0.00120.
gnomAD v4.1: 596 of 1,611,328 alleles (0.037%); highest among the groups gnomAD compares: South Asian, 0.62%; 8 homozygotes.

Submissions (3):

Labcorp Genetics (formerly Invitae), Labcorp
Classification: Benign. Last evaluated: 2026-01-24. Review status: criteria provided, single submitter. Criteria: Invitae Variant Classification Sherloc (09022015). Collection method: clinical testing. Allele origin: germline.

Blueprint Genetics
Classification: Likely benign. Last evaluated: 2024-04-05. Review status: criteria provided, single submitter. Criteria: ACMG Guidelines, 2015. Collection method: clinical testing. Allele origin: germline.

PreventionGenetics, part of Exact Sciences
Classification: Likely benign for CPLANE1-related condition. Last evaluated: 2019-02-21. Review status: no assertion criteria provided. Collection method: clinical testing. Allele origin: germline. Not counted in ClinVar's aggregate classification.
Comment: This variant is classified as likely benign based on ACMG/AMP sequence variant interpretation guidelines (Richards et al. 2015 PMID: 25741868, with internal and published modifications).

NM_001384732.1(CPLANE1):c.7534-5T>C

Gene: CPLANE1 (ciliogenesis and planar polarity effector complex subunit 1; minus strand). Cytogenetic location: 5p13.2.
Variant type: single nucleotide variant.
Coding change: c.7534-5T>C on transcript NM_001384732.1 (MANE Select); 5 bases into the intron before coding-DNA position 7534, T replaced by C.
Molecular consequence: intron variant.
Genome position (GRCh38, 1-based): chr5:37,164,332, A>G on the plus strand (T>C on the coding strand, the complement: CPLANE1 is on the minus strand). VCF-style: chr5-37164332-A-G. GRCh37 (hg19) VCF-style: chr5-37164434-A-G.
Other names: c.7534-5T>C (NM_023073.4, NM_023073.3).
Identifiers: ClinVar variation 1560501 (VCV001560501.11), dbSNP rs537063282, ClinGen allele CA3238033.